The following is an entry in ClinVar:

NM_012281.3(KCND2):c.1375-13_1375-12delinsAA

Gene: KCND2 (potassium voltage-gated channel subfamily D member 2; plus strand). Cytogenetic location: 7q31.31.
Variant type: Indel.
Coding change: c.1375-13_1375-12delinsAA on transcript NM_012281.3 (MANE Select); 13 bases into the intron before coding-DNA position 1375 through 12 bases into the intron before coding-DNA position 1375, TC replaced by AA.
Molecular consequence: intron variant.
Genome position (GRCh38, 1-based): chr7:120,742,497-120,742,498, TC replaced by AA. VCF-style: chr7-120742497-TC-AA. GRCh37 (hg19) VCF-style: chr7-120382551-TC-AA.
Identifiers: ClinVar variation 4752336 (VCV004752336.1).
Genomic context (GRCh38, chr7:120,742,497, plus strand): 5'-GGAAATATGTAGCCGAGGTTCGAGTTGTTTGCAAATAAAATAGAAAGCTCTTCTGTCTTC[TC>AA]TTTGTTAACAGTCCTCAGAGGATGAGCAGGCTTTTGTTAGCAAATCCGGCTCCAGCTTTG-3'

ClinVar aggregate classification (germline): Uncertain significance (1 of 4 stars; one submission).

Conditions:
Early Myoclonic Encephalopathy. Identifiers: MedGen C0270855.

Submission:

Labcorp Genetics (formerly Invitae), Labcorp
Classification: Uncertain significance for Early Myoclonic Encephalopathy. Last evaluated: 2025-03-09. Review status: criteria provided, single submitter. Criteria: Invitae Variant Classification Sherloc (09022015). Collection method: clinical testing. Allele origin: germline.
Comment: This sequence change falls in intron 3 of the KCND2 gene. It does not directly change the encoded amino acid sequence of the KCND2 protein. Information on the frequency of this variant in the gnomAD database is not available, as this variant may be reported differently in the database. This variant has not been reported in the literature in individuals affected with KCND2-related conditions. Experimental studies and prediction algorithms are not available or were not evaluated, and the effect of this variant on mRNA splicing is currently unknown. In summary, the available evidence is currently insufficient to determine the role of this variant in disease. Therefore, it has been classified as a Variant of Uncertain Significance.